The following is an entry in ClinVar:

NM_017636.4(TRPM4):c.2432G>C (p.Gly811Ala)

Gene: TRPM4 (transient receptor potential cation channel subfamily M member 4; plus strand). Cytogenetic location: 19q13.33.
Variant type: single nucleotide variant.
Coding change: c.2432G>C on transcript NM_017636.4 (MANE Select); coding-DNA position 2432, G replaced by C.
Protein change: p.Gly811Ala; replaces glycine 811 with alanine.
Molecular consequence: missense variant. On other transcripts: intron variant (1).
Genome position (GRCh38, 1-based): chr19:49,196,661, G>C. VCF-style: chr19-49196661-G-C. GRCh37 (hg19) VCF-style: chr19-49699918-G-C.
Other names: c.2087G>C, p.Gly696Ala (NM_001321281.2); c.824G>C, p.Gly275Ala (NM_001321282.2); c.1910G>C, p.Gly637Ala (NM_001321283.2); c.1370G>C, p.Gly457Ala (NM_001321285.2); c.2211-3639G>C (NM_001195227.2); short protein forms G457A, G811A, G696A, G275A, G637A.
Identifiers: ClinVar variation 858434 (VCV000858434.11), dbSNP rs1968657075, ClinGen allele CA406809218.
Genomic context (GRCh38, chr19:49,196,661, plus strand): 5'-TGCTGTTCCTGCTGCTTTTCTCGCGGGTGCTGCTCGTGGATTTCCAGCCGGCGCCGCCCG[G>C]CTCCCTGGAGCTGCTGCTCTATTTCTGGGCTTTCACGCTGCTGTGCGAGGAACTGCGCCA-3'
Protein context (NP_060106.2, residues 801-821): LLVDFQPAPP[Gly811Ala]SLELLLYFWA

ClinVar aggregate classification (germline): Uncertain significance. Review status: criteria provided, multiple submitters, no conflicts (2 of 4 stars). 2 submissions from 2 submitters: Uncertain significance (2). Last evaluated 2022-12-07.

Conditions:
Cardiovascular phenotype. Identifiers: MedGen CN230736.
Progressive familial heart block type IB (PFHB1B). Identifiers: Orphanet 871, MedGen C1970298, MONDO:0011474, OMIM 604559.

Submissions (2):

Ambry Genetics
Classification: Uncertain significance for Cardiovascular phenotype. Last evaluated: 2022-12-07. Review status: criteria provided, single submitter. Criteria: Ambry Variant Classification Scheme 2023. Collection method: clinical testing. Allele origin: germline.
Comment: The p.G811A variant (also known as c.2432G>C), located in coding exon 17 of the TRPM4 gene, results from a G to C substitution at nucleotide position 2432. The glycine at codon 811 is replaced by alanine, an amino acid with similar properties. This amino acid position is conserved. In addition, this alteration is predicted to be tolerated by in silico analysis. Since supporting evidence is limited at this time, the clinical significance of this alteration remains unclear.

Labcorp Genetics (formerly Invitae), Labcorp
Classification: Uncertain significance for Progressive familial heart block type IB. Last evaluated: 2022-11-30. Review status: criteria provided, single submitter. Criteria: Invitae Variant Classification Sherloc (09022015). Collection method: clinical testing. Allele origin: germline.
Comment: Algorithms developed to predict the effect of missense changes on protein structure and function (SIFT, PolyPhen-2, Align-GVGD) all suggest that this variant is likely to be tolerated. ClinVar contains an entry for this variant (Variation ID: 858434). This variant has not been reported in the literature in individuals affected with TRPM4-related conditions. This variant is not present in population databases (gnomAD no frequency). This sequence change replaces glycine, which is neutral and non-polar, with alanine, which is neutral and non-polar, at codon 811 of the TRPM4 protein (p.Gly811Ala). In summary, the available evidence is currently insufficient to determine the role of this variant in disease. Therefore, it has been classified as a Variant of Uncertain Significance.